The following is an entry in ClinVar:

NM_003301.7(TRHR):c.1047T>C (p.Ser349=)

Gene: TRHR (thyrotropin releasing hormone receptor; plus strand). Cytogenetic location: 8q23.1.
Variant type: single nucleotide variant.
Coding change: c.1047T>C on transcript NM_003301.7 (MANE Select); coding-DNA position 1047, T replaced by C.
Protein change: p.Ser349=; no amino-acid change (serine 349 retained).
Molecular consequence: synonymous variant.
Genome position (GRCh38, 1-based): chr8:109,119,305, T>C. VCF-style: chr8-109119305-T-C. GRCh37 (hg19) VCF-style: chr8-110131534-T-C.
Identifiers: ClinVar variation 4085008 (VCV004085008.8).

ClinVar aggregate classification (germline): Likely benign (1 of 4 stars; one submission).

gnomAD v4.1: 1 of 1,612,614 alleles (0.000062%); highest among the groups gnomAD compares: South Asian, 0.0011%; no homozygotes.

Submission:

CeGaT Center for Human Genetics Tuebingen
Classification: Likely benign. Last evaluated: 2025-06-01. Review status: criteria provided, single submitter. Criteria: CeGaT Center For Human Genetics Tuebingen Variant Classification Criteria Version 2. Collection method: clinical testing. Allele origin: germline. Affected: yes. Observed: 1 variant allele.
Comment: TRHR: BP4, BP7